The following is an entry in ClinVar:

NM_003803.4(MYOM1):c.635G>C (p.Arg212Thr)

Gene: MYOM1 (myomesin 1; minus strand). Cytogenetic location: 18p11.31.
Variant type: single nucleotide variant.
Coding change: c.635G>C on transcript NM_003803.4 (MANE Select); coding-DNA position 635, G replaced by C.
Protein change: p.Arg212Thr; replaces arginine 212 with threonine.
Molecular consequence: missense variant.
Genome position (GRCh38, 1-based): chr18:3,188,884, C>G on the plus strand (G>C on the coding strand, the complement: MYOM1 is on the minus strand). VCF-style: chr18-3188884-C-G. GRCh37 (hg19) VCF-style: chr18-3188882-C-G.
Other names: c.635G>C (NM_003803.3); c.635G>C, p.Arg212Thr (NM_019856.2); short protein forms R212T.
Identifiers: ClinVar variation 1449761 (VCV001449761.10), dbSNP rs200770047, ClinGen allele CA8875191.

ClinVar aggregate classification (germline): Uncertain significance. Review status: criteria provided, multiple submitters, no conflicts (2 of 4 stars). 2 submissions from 2 submitters: Uncertain significance (2). Last evaluated 2025-12-16.

Conditions:
Hypertrophic cardiomyopathy. Also called: HYPERTROPHIC MYOCARDIOPATHY. Identifiers: Orphanet 217569, MedGen C0007194, MeSH D002312, MONDO:0005045, HP:0001639.

Allele frequency attached by ClinVar (database versions not stated): gnomAD exomes below 0.00001.
gnomAD v4.1: 6 of 1,611,176 alleles (0.00037%); highest among the groups gnomAD compares: Non-Finnish European, 0.00051%; no homozygotes.

Submissions (2):

Ambry Genetics
Classification: Uncertain significance. Last evaluated: 2025-12-16. Review status: criteria provided, single submitter. Criteria: Ambry Variant Classification Scheme 2023. Collection method: clinical testing. Allele origin: germline.

Labcorp Genetics (formerly Invitae), Labcorp
Classification: Uncertain significance for Hypertrophic cardiomyopathy. Last evaluated: 2022-01-13. Review status: criteria provided, single submitter. Criteria: Invitae Variant Classification Sherloc (09022015). Collection method: clinical testing. Allele origin: germline.
Comment: In summary, the available evidence is currently insufficient to determine the role of this variant in disease. Therefore, it has been classified as a Variant of Uncertain Significance. This sequence change replaces arginine, which is basic and polar, with threonine, which is neutral and polar, at codon 212 of the MYOM1 protein (p.Arg212Thr). This variant is present in population databases (no rsID available, gnomAD 0.0009%). This variant has not been reported in the literature in individuals affected with MYOM1-related conditions. Algorithms developed to predict the effect of missense changes on protein structure and function (SIFT, PolyPhen-2, Align-GVGD) all suggest that this variant is likely to be tolerated.